The following is an entry in ClinVar:

NM_000545.8(HNF1A):c.787C>G (p.Arg263Gly)

Gene: HNF1A (HNF1 homeobox A; plus strand). Cytogenetic location: 12q24.31.
Variant type: single nucleotide variant.
Coding change: c.787C>G on transcript NM_000545.8 (MANE Select); coding-DNA position 787, C replaced by G.
Protein change: p.Arg263Gly; replaces arginine 263 with glycine.
Molecular consequence: missense variant.
Genome position (GRCh38, 1-based): chr12:120,994,237, C>G. VCF-style: chr12-120994237-C-G. GRCh37 (hg19) VCF-style: chr12-121432040-C-G.
Other names: c.787C>G, p.Arg263Gly (NM_001306179.2); short protein forms R263G.
Identifiers: ClinVar variation 1172902 (VCV001172902.1), dbSNP rs771108132, ClinGen allele CA386966153.

ClinVar aggregate classification (germline): Uncertain significance (1 of 4 stars; one submission).

Submission:

Women's Health and Genetics/Laboratory Corporation of America, LabCorp
Classification: Uncertain significance. Last evaluated: 2021-06-04. Review status: criteria provided, single submitter. Criteria: LabCorp Variant Classification Summary - May 2015. Collection method: clinical testing. Allele origin: germline.
Comment: Variant summary: HNF1A c.787C>G (p.Arg263Gly) results in a non-conservative amino acid change located in the Homeobox domain (IPR001356) of the encoded protein sequence. Five of five in-silico tools predict a damaging effect of the variant on protein function. The variant was absent in 249174 control chromosomes (gnomAD). The available data on variant occurrences in the general population are insufficient to allow any conclusion about variant significance. c.787C>G has been reported in the literature in an individual affected with hepatocellular carcinoma (Hechtman_2019). This report however, does not provide unequivocal conclusions about association of the variant with Maturity Onset Diabetes of the Young 3. To our knowledge, no experimental evidence demonstrating an impact on protein function has been reported. No clinical diagnostic laboratories have submitted clinical-significance assessments for this variant to ClinVar after 2014. Other variants affecting the same codon have been reported in the ClinVar and HGMD databases (example: p.R263C, p.R263H, p.R263L) suggesting this residue may be clinically significant. Based on the evidence outlined above, the variant was classified as VUS-possibly pathogenic.

Literature cited by the submitters: PubMed 30121369.